The following is an entry in ClinVar:

NM_002016.2(FLG):c.2767dup (p.Ser923fs)

Genes: CCDST (cervical cancer associated DHX9 suppressive transcript; plus strand), FLG (filaggrin; minus strand). Cytogenetic location: 1q21.3.
Variant type: Duplication.
Coding change: c.2767dup on transcript NM_002016.2 (MANE Select); coding-DNA position 2767, one base duplicated (T; older notation c.2767dupT).
Protein change: p.Ser923fs; shifts the reading frame from serine 923.
Molecular consequence: frameshift variant.
Genome position (GRCh38, 1-based): chr1:152,312,119, A duplicated on the plus strand (T on the coding strand, the reverse complement: FLG is on the minus strand). VCF-style (leftmost placement, unchanged base first): chr1-152312118-G-GA. GRCh37 (hg19) VCF-style: chr1-152284594-G-GA.
Other names: short protein forms S923fs.
Identifiers: ClinVar variation 2572530 (VCV002572530.3), dbSNP rs748581094, ClinGen allele CA1107002.
Genomic context (GRCh38, chr1:152,312,118, plus strand): 5'-CCCTGGCGCCTGCTTGTCCTGGACCCCTCTGATTGTCCCTGGCCTGCCTGTGAGTGTCTA[G>GA]AGATGTCGGCATGAGAGGAAGCTTCATGGTGACGTGACCCTGAGTGCCTGGAGCCGTCTC-3'

ClinVar aggregate classification (germline): Pathogenic/Likely pathogenic. Review status: criteria provided, multiple submitters, no conflicts (2 of 4 stars). 2 submissions from 2 submitters: Pathogenic (1); Likely pathogenic (1). Last evaluated 2026-09-09.

Conditions:
Ichthyosis vulgaris. Also called: Dominant ichthyosis vulgaris; ICHTHYOSIS SIMPLEX. Identifiers: MedGen C0079584, MONDO:0024304, OMIM 146700.

Allele frequency attached by ClinVar (database versions not stated): gnomAD 0.00006; ExAC 0.00013; 1000 Genomes Project 30x 0.00047.

Submissions (2):

GeneDx
Classification: Pathogenic. Last evaluated: 2026-09-09. Review status: criteria provided, single submitter. Criteria: GeneDx Variant Classification Process June 2021. Collection method: clinical testing. Allele origin: germline.
Comment: Frameshift variant predicted to result in abnormal protein length as the last 3139 amino acid(s) are replaced with 1 different amino acid(s), and other similar variants have been reported in HGMD; This variant is associated with the following publications: (PMID: 16444271, 36789964, 39843441)

3billion
Classification: Likely pathogenic for Ichthyosis vulgaris. Review status: criteria provided, single submitter. Criteria: ACMG Guidelines, 2015. Collection method: clinical testing. Allele origin: unknown. Affected: yes. Observed: 1 heterozygote.
Comment: The variant is observed at an extremely low frequency in the gnomAD v2.1.1 dataset (total allele frequency: 0.013%). The variant is predicted to result in a loss or disruption of normal protein function through protein truncation. The predicted truncated protein may be shortened by more than 10%. Therefore, this variant is classified as Likely pathogenic according to the recommendation of ACMG/AMP guideline.